The following is an entry in ClinVar:

NM_000350.3(ABCA4):c.4253+4C>T

Gene: ABCA4 (ATP binding cassette subfamily A member 4; minus strand). Cytogenetic location: 1p22.1.
Variant type: single nucleotide variant.
Coding change: c.4253+4C>T on transcript NM_000350.3 (MANE Select); 4 bases into the intron after coding-DNA position 4253, C replaced by T.
Molecular consequence: intron variant.
Genome position (GRCh38, 1-based): chr1:94,030,992, G>A on the plus strand (C>T on the coding strand, the complement: ABCA4 is on the minus strand). VCF-style: chr1-94030992-G-A. GRCh37 (hg19) VCF-style: chr1-94496548-G-A.
Identifiers: ClinVar variation 99266 (VCV000099266.22), dbSNP rs61754044, ClinGen allele CA227173.

ClinVar aggregate classification (germline): Pathogenic/Likely pathogenic. Review status: criteria provided, multiple submitters, no conflicts (2 of 4 stars). 10 submissions from 10 submitters: Pathogenic (7); Likely pathogenic (1). 2 of the submissions do not count toward it. Last evaluated 2025-02-05.

Conditions:
Inborn genetic diseases. Identifiers: MedGen C0950123, MeSH D030342.
ABCA4-related disorder. Also called: ABCA4-related condition; ABCA4-related disorders. Identifiers: MedGen CN239167.
Retinal dystrophy. Also called: Inherited retinal dystrophy. Identifiers: Orphanet 71862, MedGen C0854723, MeSH D058499, MONDO:0019118, HP:0000556.
Stargardt disease (FFM). Also called: Fundus flavimaculatus; Stargardt's disease. Identifiers: Orphanet 827, MedGen C0271093, MONDO:0019353.
Retinitis pigmentosa 19 (RP19). Also called: ABCA4-Related Retinitis Pigmentosa. Identifiers: Orphanet 791, MedGen C1866422, MONDO:0011137, OMIM 601718.
Severe early-childhood-onset retinal dystrophy (STGD1). Also called: MACULAR DYSTROPHY WITH FLECKS, TYPE 1; STGD; Stargardt disease 1; Stargardt macular dystrophy; Juvenile onset macular degeneration. Identifiers: Orphanet 364055, Orphanet 827, MedGen C1855465, MeSH D000080362, MONDO:0009549, OMIM 248200.

Allele frequency attached by ClinVar (database versions not stated): TOPMed below 0.00001; gnomAD 0.00001 and 0.00002; gnomAD exomes 0.00002 and 0.00001; ExAC 0.00002.
gnomAD v4.1: 22 of 1,613,818 alleles (0.0014%); highest among the groups gnomAD compares: South Asian, 0.0044%; no homozygotes.

Submissions (10):

SingHealth Duke-NUS Institute of Precision Medicine
Classification: Pathogenic for Severe early-childhood-onset retinal dystrophy. Last evaluated: 2025-02-05. Review status: criteria provided, single submitter. Criteria: PRISM ACMG Classification Criteria. Collection method: clinical testing. Allele origin: germline. Affected: yes.
Comment: Variant was observed in trans with another pathogenic variant (PM3, PMID: 23755871) + Variant affects splicing although it is noncoding (PVS1_mod). Prevalence is greater in affected patients than general population (PS4). Study has shown the variant affects protein function (PS3, PMID:29162642)

Labcorp Genetics (formerly Invitae), Labcorp
Classification: Pathogenic. Last evaluated: 2025-01-06. Review status: criteria provided, single submitter. Criteria: Invitae Variant Classification Sherloc (09022015). Collection method: clinical testing. Allele origin: germline.
Comment: This sequence change falls in intron 28 of the ABCA4 gene. It does not directly change the encoded amino acid sequence of the ABCA4 protein. It affects a nucleotide within the consensus splice site. This variant is present in population databases (rs61754044, gnomAD 0.006%). This variant has been observed in individual(s) with retinal disease (PMID: 15108289, 23755871). In at least one individual the data is consistent with being in trans (on the opposite chromosome) from a pathogenic variant. ClinVar contains an entry for this variant (Variation ID: 99266). Variants that disrupt the consensus splice site are a relatively common cause of aberrant splicing (PMID: 17576681, 9536098). Studies have shown that this variant alters mRNA splicing and is expected to lead to the loss of protein expression (PMID: 29162642). For these reasons, this variant has been classified as Pathogenic.

Lab De Baere, Eye and Developmental Genetics Lab, Ghent University
Classification: Pathogenic for Stargardt disease. Last evaluated: 2024-10-01. Review status: criteria provided, single submitter. Criteria: ACMG Guidelines, 2015. Collection method: research. Allele origin: inherited. Affected: yes. Observed: 2 variant alleles.
Comment: ACMG/AMP guidelines: PM2, PP4_PP, BP4, PS3_PP, PP1, PM3_PVS

Blueprint Genetics
Classification: Pathogenic for ABCA4-related disorders. Last evaluated: 2024-09-09. Review status: criteria provided, single submitter. Criteria: ACMG Guidelines, 2015. Collection method: clinical testing. Allele origin: germline. Affected: yes. Observed: 5 variant alleles.

3billion
Classification: Pathogenic for Retinitis pigmentosa 19. Last evaluated: 2024-03-14. Review status: criteria provided, single submitter. Criteria: ACMG Guidelines, 2015. Collection method: clinical testing. Allele origin: germline. Affected: yes.
Comment: The variant is observed at an extremely low frequency in the gnomAD v2.1.1 dataset (total allele frequency: 0.002%). Predicted Consequence/Location: Intron variant In silico tools prediction of the variant to alter splicing and produce an abnormal transcript is uncertain [Splice AI: 0.19 (spliceogenicity >=0.2, non-spliceogenicity <0.1)]. The variant has been reported to be in trans with a pathogenic variant as either compound heterozygous or homozygous in at least 2 similarly affected unrelated individuals (PMID: 15108289, 23755871).The variant has been reported at least twice as pathogenic with clinical assertions and evidence for the classification (ClinVar ID: VCV000099266 /PMID: 15108289). Therefore, this variant is classified as Pathogenic according to the recommendation of ACMG/AMP guideline.

GeneDx
Classification: Pathogenic. Last evaluated: 2024-03-05. Review status: criteria provided, single submitter. Criteria: GeneDx Variant Classification Process June 2021. Collection method: clinical testing. Allele origin: germline. Affected: yes.
Comment: Non-canonical splice site variant demonstrated to result in loss of function (PMID: 29162642); In silico analysis supports that this variant does not alter splicing; This variant is associated with the following publications: (PMID: 15494742, 31429209, 34315337, 34996991, 31589614, 32619608, 32534057, 33090715, 12796258, 10090887, 19074458, 19217903, 18977788, 14709597, 9973280, 16546111, 12037008, 28446513, 9781034, 9054934, 11919200, 25342620, 11328725, 25066811, 23953153, 29925512, 15108289, 30798147, 32036094, 34426522, 35119454, 36969552, 23755871, 27583828, 29162642)

Institute of Human Genetics, Univ. Regensburg, Univ. Regensburg
Classification: Pathogenic for Retinal dystrophy. Last evaluated: 2021-01-01. Review status: criteria provided, single submitter. Criteria: ACMG Guidelines, 2015. Collection method: clinical testing. Allele origin: germline. Affected: yes.

Ambry Genetics
Classification: Likely pathogenic for Inborn genetic diseases. Last evaluated: 2017-10-31. Review status: criteria provided, single submitter. Criteria: Ambry exome assertion method (8-5-2015). Collection method: clinical testing. Allele origin: germline. Affected: yes. Observed: 1 variant allele.

Ophthalmo-Genetics Lab, Instituto de Oftalmologia Conde de Valenciana
Classification: Likely pathogenic for Severe early-childhood-onset retinal dystrophy. Review status: no assertion criteria provided. Collection method: research. Allele origin: germline. Inheritance: Autosomal recessive inheritance. Affected: yes. Not counted in ClinVar's aggregate classification.

Retina International
No classification provided. Review status: no classification provided. Collection method: not provided. Allele origin: not provided. Not counted in ClinVar's aggregate classification.

Literature cited by the submitters: PubMed 29162642 (cited by 3 submitters); PubMed 23755871 (cited by 5 submitters); PubMed 15108289 (cited by 4 submitters); PubMed 17576681 (cited by Labcorp Genetics (formerly Invitae), Labcorp); PubMed 9536098 (cited by Labcorp Genetics (formerly Invitae), Labcorp); PubMed 23953153 (cited by Institute of Human Genetics, Univ. Regensburg, Univ. Regensburg and Ambry Genetics); PubMed 31589614 (cited by Institute of Human Genetics, Univ. Regensburg, Univ. Regensburg); PubMed 29925512 (cited by Institute of Human Genetics, Univ. Regensburg, Univ. Regensburg); PubMed 30798147 (cited by Institute of Human Genetics, Univ. Regensburg, Univ. Regensburg); PubMed 32619608 (cited by Institute of Human Genetics, Univ. Regensburg, Univ. Regensburg); PubMed 31964843 (cited by Institute of Human Genetics, Univ. Regensburg, Univ. Regensburg); PubMed 31429209 (cited by Institute of Human Genetics, Univ. Regensburg, Univ. Regensburg); PubMed 32534057 (cited by Institute of Human Genetics, Univ. Regensburg, Univ. Regensburg and Ophthalmo-Genetics Lab, Instituto de Oftalmologia Conde de Valenciana); PubMed 32307445 (cited by Institute of Human Genetics, Univ. Regensburg, Univ. Regensburg); PubMed 33090715 (cited by Institute of Human Genetics, Univ. Regensburg, Univ. Regensburg); PubMed 32036094 (cited by Institute of Human Genetics, Univ. Regensburg, Univ. Regensburg); PubMed 34315337 (cited by Institute of Human Genetics, Univ. Regensburg, Univ. Regensburg); PubMed 34426522 (cited by Institute of Human Genetics, Univ. Regensburg, Univ. Regensburg); PubMed 35119454 (cited by Institute of Human Genetics, Univ. Regensburg, Univ. Regensburg); PubMed 36460718 (cited by Institute of Human Genetics, Univ. Regensburg, Univ. Regensburg); PubMed 34996991 (cited by Institute of Human Genetics, Univ. Regensburg, Univ. Regensburg).